The following is an entry in ClinVar:

ClinVar aggregate classification (germline): Uncertain significance (1 of 4 stars; one submission).

Submission:

Labcorp Genetics (formerly Invitae), Labcorp
Classification: Uncertain significance. Last evaluated: 2023-04-11. Review status: criteria provided, single submitter. Criteria: Invitae Variant Classification Sherloc (09022015). Collection method: clinical testing. Allele origin: unknown.
Comment: In summary, the available evidence is currently insufficient to determine the role of this variant in disease. Therefore, it has been classified as a Variant of Uncertain Significance. Experimental studies and prediction algorithms are not available or were not evaluated, and the functional significance of this variant is currently unknown. This variant has not been reported in the literature in individuals affected with POLE-related conditions. This variant is a gross deletion of the genomic region encompassing exon(s) 9 of the POLE gene. This variant would be expected to be in-frame, preserving the integrity of the reading frame.

NC_000012.11:g.(?_133253122)_(133253249_?)del

Gene: POLE (DNA polymerase epsilon, catalytic subunit; minus strand). Cytogenetic location: 12q24.33.
Variant type: Deletion.
Identifiers: ClinVar variation 3244394 (VCV003244394.1).